The following is an entry in ClinVar:

NM_052947.4(ALPK2):c.4202C>T (p.Ser1401Phe)

Genes: ALPK2 (alpha kinase 2; minus strand), LOC126862764 (BRD4-independent group 4 enhancer GRCh37_chr18:56202574-56203773; plus strand). Cytogenetic location: 18q21.31.
Variant type: single nucleotide variant.
Coding change: c.4202C>T on transcript NM_052947.4 (MANE Select); coding-DNA position 4202, C replaced by T.
Protein change: p.Ser1401Phe; replaces serine 1401 with phenylalanine.
Molecular consequence: missense variant.
Genome position (GRCh38, 1-based): chr18:58,535,985, G>A on the plus strand (C>T on the coding strand, the complement: ALPK2 is on the minus strand). VCF-style: chr18-58535985-G-A. GRCh37 (hg19) VCF-style: chr18-56203217-G-A.
Other names: short protein forms S1401F.
Identifiers: ClinVar variation 1738666 (VCV001738666.2), dbSNP rs148858773, ClinGen allele CA8976756.

ClinVar aggregate classification (germline): Uncertain significance (1 of 4 stars; one submission).

Allele frequency attached by ClinVar (database versions not stated): gnomAD exomes below 0.00001; TOPMed below 0.00001; ExAC 0.00001; gnomAD 0.00001; ESP Exome Variant Server 0.00008.
gnomAD v4.1: 2 of 1,614,072 alleles (0.00012%); highest among the groups gnomAD compares: Non-Finnish European, 0.00017%; no homozygotes.

Submission:

Ambry Genetics
Classification: Uncertain significance. Last evaluated: 2023-12-05. Review status: criteria provided, single submitter. Criteria: Ambry Variant Classification Scheme 2023. Collection method: clinical testing. Allele origin: germline.
Comment: The p.S1401F variant (also known as c.4202C>T), located in coding exon 4 of the ALPK2 gene, results from a C to T substitution at nucleotide position 4202. The serine at codon 1401 is replaced by phenylalanine, an amino acid with highly dissimilar properties. This amino acid position is conserved. In addition, this alteration is predicted to be tolerated by in silico analysis. Since supporting evidence is limited at this time, the clinical significance of this alteration remains unclear.